The following is an entry in ClinVar:

ClinVar aggregate classification (germline): Uncertain significance (1 of 4 stars; one submission).

Submission:

GeneDx
Classification: Uncertain significance. Last evaluated: 2019-12-15. Review status: criteria provided, single submitter. Criteria: GeneDx Variant Classification Process June 2021. Collection method: clinical testing. Allele origin: germline. Affected: yes.
Comment: Not observed in large population cohorts (Lek et al., 2016); In silico analysis, which includes protein predictors and evolutionary conservation, supports that this variant does not alter protein structure/function; Has not been previously published as pathogenic or benign to our knowledge

NM_020297.4(ABCC9):c.1333G>C (p.Val445Leu)

Gene: ABCC9 (ATP binding cassette subfamily C member 9; minus strand). Cytogenetic location: 12p12.1.
Variant type: single nucleotide variant.
Coding change: c.1333G>C on transcript NM_020297.4 (MANE Select); coding-DNA position 1333, G replaced by C.
Protein change: p.Val445Leu; replaces valine 445 with leucine.
Molecular consequence: missense variant.
Genome position (GRCh38, 1-based): chr12:21,908,199, C>G on the plus strand (G>C on the coding strand, the complement: ABCC9 is on the minus strand). VCF-style: chr12-21908199-C-G. GRCh37 (hg19) VCF-style: chr12-22061133-C-G.
Other names: c.1333G>C, p.Val445Leu (NM_001377273.1, NM_005691.4); c.469G>C, p.Val157Leu (NM_001377274.1); short protein forms V157L, V445L.
Identifiers: ClinVar variation 1311113 (VCV001311113.2), dbSNP rs2137852152, ClinGen allele CA384140270.